The following is an entry in ClinVar:

NM_020533.3(MCOLN1):c.406-3C>T

Gene: MCOLN1 (mucolipin TRP cation channel 1; plus strand). Cytogenetic location: 19p13.2.
Variant type: single nucleotide variant.
Coding change: c.406-3C>T on transcript NM_020533.3 (MANE Select); 3 bases into the intron before coding-DNA position 406, C replaced by T.
Molecular consequence: intron variant.
Genome position (GRCh38, 1-based): chr19:7,526,758, C>T. VCF-style: chr19-7526758-C-T. GRCh37 (hg19) VCF-style: chr19-7591644-C-T.
Identifiers: ClinVar variation 2070713 (VCV002070713.2), dbSNP rs1481075430, ClinGen allele CA884200116.

ClinVar aggregate classification (germline): Uncertain significance. Review status: criteria provided, multiple submitters, no conflicts (2 of 4 stars). 2 submissions from 2 submitters: Uncertain significance (2). Last evaluated 2022-08-11.

Conditions:
Mucolipidosis type IV (ML4). Also called: ML IV. Identifiers: Orphanet 578, MedGen C0238286, MONDO:0009653, OMIM 252650.
Inborn genetic diseases. Identifiers: MedGen C0950123, MeSH D030342.

Allele frequency attached by ClinVar (database versions not stated): TOPMed below 0.00001; gnomAD 0.00001.
gnomAD v4.1: 2 of 1,613,700 alleles (0.00012%); highest among the groups gnomAD compares: African/African-American, 0.0013%; no homozygotes.

Submissions (2):

Ambry Genetics
Classification: Uncertain significance for Inborn genetic diseases. Last evaluated: 2022-08-11. Review status: criteria provided, single submitter. Criteria: Ambry Variant Classification Scheme 2023. Collection method: clinical testing. Allele origin: germline.
Comment: The c.406-3C>T intronic alteration consists of a C to T substitution 3 nucleotides before coding exon 4 in the MCOLN1 gene. Based on insufficient or conflicting evidence, the clinical significance of this alteration remains unclear.

Labcorp Genetics (formerly Invitae), Labcorp
Classification: Uncertain significance for Mucolipidosis type IV. Last evaluated: 2022-05-08. Review status: criteria provided, single submitter. Criteria: Invitae Variant Classification Sherloc (09022015). Collection method: clinical testing. Allele origin: germline.
Comment: This sequence change falls in intron 3 of the MCOLN1 gene. It does not directly change the encoded amino acid sequence of the MCOLN1 protein. It affects a nucleotide within the consensus splice site. This variant is not present in population databases (gnomAD no frequency). This variant has not been reported in the literature in individuals affected with MCOLN1-related conditions. Variants that disrupt the consensus splice site are a relatively common cause of aberrant splicing (PMID: 17576681, 9536098). Algorithms developed to predict the effect of sequence changes on RNA splicing suggest that this variant is not likely to affect RNA splicing. In summary, the available evidence is currently insufficient to determine the role of this variant in disease. Therefore, it has been classified as a Variant of Uncertain Significance.

Literature cited by the submitters: PubMed 17576681 (cited by Labcorp Genetics (formerly Invitae), Labcorp); PubMed 9536098 (cited by Labcorp Genetics (formerly Invitae), Labcorp).